The following is an entry in ClinVar:

ClinVar aggregate classification (germline): Benign. Review status: criteria provided, multiple submitters, no conflicts (2 of 4 stars). 2 submissions from 2 submitters: Benign (2). Last evaluated 2017-05-09.

Allele frequency attached by ClinVar (database versions not stated): ESP Exome Variant Server 0.28322; gnomAD 0.29827 and 0.30441; TOPMed 0.31902; 1000 Genomes Project 30x 0.31964; 1000 Genomes Project 0.32368; gnomAD exomes 0.34464 and 0.36911; ExAC 0.35386.
gnomAD v4.1: 549,255 of 1,611,948 alleles (34%); highest among the groups gnomAD compares: Admixed American, 57%; 98,426 homozygotes.

Submissions (2):

GeneDx
Classification: Benign. Last evaluated: 2017-05-09. Review status: criteria provided, single submitter. Criteria: GeneDx Variant Classification (06012015). Collection method: clinical testing. Allele origin: germline. Affected: yes.
Comment: This variant is considered likely benign or benign based on one or more of the following criteria: it is a conservative change, it occurs at a poorly conserved position in the protein, it is predicted to be benign by multiple in silico algorithms, and/or has population frequency not consistent with disease.

Breakthrough Genomics
Classification: Benign. Review status: criteria provided, single submitter. Criteria: ACMG Guidelines, 2015. Collection method: not provided. Allele origin: germline. Inheritance: Autosomal recessive inheritance. Affected: yes.

NM_018429.3(BDP1):c.2269C>T (p.Arg757Cys)

Gene: BDP1 (BDP1 general transcription factor IIIB subunit; plus strand). Cytogenetic location: 5q13.2.
Variant type: single nucleotide variant.
Coding change: c.2269C>T on transcript NM_018429.3 (MANE Select); coding-DNA position 2269, C replaced by T.
Protein change: p.Arg757Cys; replaces arginine 757 with cysteine.
Molecular consequence: missense variant.
Genome position (GRCh38, 1-based): chr5:71,504,648, C>T. VCF-style: chr5-71504648-C-T. GRCh37 (hg19) VCF-style: chr5-70800475-C-T.
Other names: short protein forms R757C.
Identifiers: ClinVar variation 517819 (VCV000517819.2), dbSNP rs3761966, ClinGen allele CA3296244.
Genomic context (GRCh38, chr5:71,504,648, plus strand): 5'-CTAAAACATTAGAAAAATTTGTTTGTTTTTAAGACTCCTCAACACATGGAAGATCAATCG[C>T]GTAAAGATTTTGAAGAGGAAGATGTCATATTACAGCCTGAGAAAAATGATTCTTTTCAAA-3'
Protein context (NP_060899.2, residues 747-767): DTPQHMEDQS[Arg757Cys]KDFEEEDVIL